The following is an entry in ClinVar:

ClinVar aggregate classification (germline): Uncertain significance (1 of 4 stars; one submission).

Conditions:
Niemann-Pick disease, type C1. Also called: NIEMANN-PICK DISEASE, VARIANT TYPE C1; NEUROVISCERAL STORAGE DISEASE WITH VERTICAL SUPRANUCLEAR OPHTHALMOPLEGIA; NIEMANN-PICK DISEASE WITH CHOLESTEROL ESTERIFICATION BLOCK; NIEMANN-PICK DISEASE WITHOUT SPHINGOMYELINASE DEFICIENCY; NIEMANN-PICK DISEASE, CHRONIC NEURONOPATHIC FORM. Identifiers: Orphanet 646, MedGen C3179455, MONDO:0009757, OMIM 257220.

Allele frequency attached by ClinVar (database versions not stated): gnomAD exomes below 0.00001 and 0.00001; gnomAD 0.00001; TOPMed 0.00002; ExAC 0.00003.
gnomAD v4.1: 10 of 1,609,360 alleles (0.00062%); highest among the groups gnomAD compares: South Asian, 0.0044%; no homozygotes.

Submission:

Labcorp Genetics (formerly Invitae), Labcorp
Classification: Uncertain significance for Niemann-Pick disease, type C1. Last evaluated: 2021-09-17. Review status: criteria provided, single submitter. Criteria: Invitae Variant Classification Sherloc (09022015). Collection method: clinical testing. Allele origin: germline.
Comment: This sequence change replaces isoleucine with valine at codon 841 of the NPC1 protein (p.Ile841Val). The isoleucine residue is weakly conserved and there is a small physicochemical difference between isoleucine and valine. This variant is present in population databases (rs757285562, ExAC 0.006%). This variant has not been reported in the literature in individuals with NPC1-related disease. Algorithms developed to predict the effect of missense changes on protein structure and function output the following: SIFT: "Tolerated"; PolyPhen-2: "Benign"; Align-GVGD: "Class C0". The valine amino acid residue is found in multiple mammalian species, suggesting that this missense change does not adversely affect protein function. These predictions have not been confirmed by published functional studies and their clinical significance is uncertain. In summary, the available evidence is currently insufficient to determine the role of this variant in disease. Therefore, it has been classified as a Variant of Uncertain Significance.

NM_000271.5(NPC1):c.2521A>G (p.Ile841Val)

Gene: NPC1 (NPC intracellular cholesterol transporter 1; minus strand). Cytogenetic location: 18q11.2.
Variant type: single nucleotide variant.
Coding change: c.2521A>G on transcript NM_000271.5 (MANE Select); coding-DNA position 2521, A replaced by G.
Protein change: p.Ile841Val; replaces isoleucine 841 with valine.
Molecular consequence: missense variant.
Genome position (GRCh38, 1-based): chr18:23,540,531, T>C on the plus strand (A>G on the coding strand, the complement: NPC1 is on the minus strand). VCF-style: chr18-23540531-T-C. GRCh37 (hg19) VCF-style: chr18-21120495-T-C.
Other names: short protein forms I841V.
Identifiers: ClinVar variation 1446994 (VCV001446994.5), dbSNP rs757285562, ClinGen allele CA8913062.
Genomic context (GRCh38, chr18:23,540,531, plus strand): 5'-CCAATCCAATATCTACTTTGTTCAGGACTGCGATGCTGAATGACAGAACACCCACAAATA[T>C]TGCTATCTGGAACAACAAATGAATCATAAGACAGAGACTGCTTAGTAAATAAGCTTACGA-3'
Protein context (NP_000262.2, residues 831-851): KDWMRPIVIA[Ile841Val]FVGVLSFSIA